The following is an entry in ClinVar:

ClinVar aggregate classification (germline): Conflicting classifications of pathogenicity. Review status: criteria provided, conflicting classifications (1 of 4 stars). 2 submissions from 2 submitters: Likely pathogenic (1); Uncertain significance (1). Last evaluated 2024-10-15.

Conditions:
CHD3-related disorder. Also called: CHD3-related condition.

Submissions (2):

GeneDx
Classification: Likely pathogenic. Last evaluated: 2024-10-15. Review status: criteria provided, single submitter. Criteria: GeneDx Variant Classification Process June 2021. Collection method: clinical testing. Allele origin: germline. Affected: yes.
Comment: Not observed at significant frequency in large population cohorts (gnomAD); In silico analysis supports that this missense variant has a deleterious effect on protein structure/function; This variant is associated with the following publications: (PMID: 37761804)

PreventionGenetics, part of Exact Sciences
Classification: Uncertain significance for CHD3-related condition. Last evaluated: 2023-04-21. Review status: criteria provided, single submitter. Criteria: ACMG Guidelines, 2015. Collection method: clinical testing. Allele origin: germline.
Comment: The CHD3 c.4042G>A variant is predicted to result in the amino acid substitution p.Ala1348Thr. To our knowledge, this variant has not been reported in the literature or in a large population database, indicating this variant is rare. At this time, the clinical significance of this variant is uncertain due to the absence of conclusive functional and genetic evidence.

NM_001005273.3(CHD3):c.3865G>A (p.Ala1289Thr)

Gene: CHD3 (chromodomain helicase DNA binding protein 3; plus strand). Cytogenetic location: 17p13.1.
Variant type: single nucleotide variant.
Coding change: c.3865G>A on transcript NM_001005273.3 (MANE Select); coding-DNA position 3865, G replaced by A.
Protein change: p.Ala1289Thr; replaces alanine 1289 with threonine.
Molecular consequence: missense variant.
Genome position (GRCh38, 1-based): chr17:7,903,962, G>A. VCF-style: chr17-7903962-G-A. GRCh37 (hg19) VCF-style: chr17-7807280-G-A.
Other names: c.4042G>A, p.Ala1348Thr (NM_001005271.3); c.3865G>A, p.Ala1289Thr (NM_005852.4); short protein forms A1289T, A1348T.
Identifiers: ClinVar variation 2633249 (VCV002633249.2), dbSNP rs2545018697, ClinGen allele CA397943843.